The following is an entry in ClinVar:

ClinVar aggregate classification (germline): Pathogenic/Likely pathogenic. Review status: criteria provided, multiple submitters, no conflicts (2 of 4 stars). 2 submissions from 2 submitters: Pathogenic (1); Likely pathogenic (1). Last evaluated 2024-02-26.

Conditions:
Deficiency of iodide peroxidase (TDH2A). Also called: THYROID HORMONOGENESIS, GENETIC DEFECT IN, 2A; THYROID PEROXIDASE DEFICIENCY; HYPOTHYROIDISM, CONGENITAL, DUE TO DYSHORMONOGENESIS, 2A; IODIDE PEROXIDASE DEFICIENCY; Thyroid dyshormonogenesis 2A. Identifiers: Orphanet 95716, MedGen C1291299, MONDO:0010133, OMIM 274500.

Allele frequency attached by ClinVar (database versions not stated): ExAC 0.00004; ESP Exome Variant Server 0.00008; gnomAD 0.00009; TOPMed 0.00012; 1000 Genomes Project 0.00040; 1000 Genomes Project 30x 0.00078.
gnomAD v4.1: 30 of 1,613,488 alleles (0.0019%); highest among the groups gnomAD compares: African/African-American, 0.036%; no homozygotes.

Submissions (2):

Fulgent Genetics
Classification: Likely pathogenic for Deficiency of iodide peroxidase. Last evaluated: 2024-02-26. Review status: criteria provided, single submitter. Criteria: ACMG Guidelines, 2015. Collection method: clinical testing. Allele origin: germline.

Labcorp Genetics (formerly Invitae), Labcorp
Classification: Pathogenic. Last evaluated: 2023-10-04. Review status: criteria provided, single submitter. Criteria: Invitae Variant Classification Sherloc (09022015). Collection method: clinical testing. Allele origin: germline.
Comment: This sequence change creates a premature translational stop signal (p.Cys896*) in the TPO gene. It is expected to result in an absent or disrupted protein product. Loss-of-function variants in TPO are known to be pathogenic (PMID: 11061528, 23236987, 25564141). This variant is present in population databases (rs186620709, gnomAD 0.04%). This variant has not been reported in the literature in individuals affected with TPO-related conditions. For these reasons, this variant has been classified as Pathogenic.

Literature cited by the submitters: PubMed 11061528 (cited by Labcorp Genetics (formerly Invitae), Labcorp); PubMed 23236987 (cited by Labcorp Genetics (formerly Invitae), Labcorp); PubMed 25564141 (cited by Labcorp Genetics (formerly Invitae), Labcorp).

NM_001206744.2(TPO):c.2688C>A (p.Cys896Ter)

Genes: TPO (thyroid peroxidase; plus strand), LALTOP (lung cancer associated lncRNA targeting TOP2A; minus strand), LOC126806104 (CDK7 strongly-dependent group 2 enhancer GRCh37_chr2:1544276-1545475; plus strand). Cytogenetic location: 2p25.3.
Variant type: single nucleotide variant.
Coding change: c.2688C>A on transcript NM_001206744.2 (MANE Select); coding-DNA position 2688, C replaced by A.
Protein change: p.Cys896Ter; replaces cysteine 896 with a stop codon.
Molecular consequence: nonsense.
Genome position (GRCh38, 1-based): chr2:1,540,663, C>A. VCF-style: chr2-1540663-C-A. GRCh37 (hg19) VCF-style: chr2-1544435-C-A.
Other names: c.2688C>A (NM_000547.5); c.2688C>A, p.Cys896Ter (NM_000547.6); c.2517C>A, p.Cys839Ter (NM_001206745.2, NM_175719.4); c.2556C>A, p.Cys852Ter (NM_175721.3); c.2169C>A, p.Cys723Ter (NM_175722.3); short protein forms C896*, C839*, C852*, C723*.
Identifiers: ClinVar variation 2896074 (VCV002896074.4), dbSNP rs186620709, ClinGen allele CA1512249.